The following is an entry in ClinVar:

ClinVar aggregate classification (germline): Pathogenic (1 of 4 stars; one submission).

Conditions:
Neurodegeneration, childhood-onset, stress-induced, with variable ataxia and seizures. Identifiers: Orphanet 694922, MedGen C4748527, MONDO:0100095, OMIM 618170.

gnomAD v4.1: 4 of 1,613,658 alleles (0.00025%); highest among the groups gnomAD compares: East Asian, 0.0067%; no homozygotes.

Submission:

3billion
Classification: Pathogenic for Neurodegeneration, childhood-onset, stress-induced, with variable ataxia and seizures. Last evaluated: 2025-08-18. Review status: criteria provided, single submitter. Criteria: ACMG Guidelines, 2015. Collection method: clinical testing. Allele origin: germline. Affected: yes.
Comment: The variant is observed at an extremely low frequency in the gnomAD v4.1.0 dataset (total allele frequency: <0.001%). Predicted Consequence/Location: Stop-gained (nonsense): predicted to result in a loss or disruption of normal protein function through nonsense-mediated decay (NMD) or protein truncation. Multiple pathogenic variants are reported downstream of the variant. The variant has been reported to be associated with ADPRS-related disorder (PMID: 35664652). Therefore, this variant is classified as Pathogenic according to the recommendation of ACMG/AMP guideline.

Literature cited by the submitters: PubMed 35664652.

NM_017825.3(ADPRS):c.580C>T (p.Gln194Ter)

Gene: ADPRS (ADP-ribosylserine hydrolase; plus strand). Cytogenetic location: 1p34.3.
Variant type: single nucleotide variant.
Coding change: c.580C>T on transcript NM_017825.3 (MANE Select); coding-DNA position 580, C replaced by T.
Protein change: p.Gln194Ter; replaces glutamine 194 with a stop codon.
Molecular consequence: nonsense.
Genome position (GRCh38, 1-based): chr1:36,091,973, C>T. VCF-style: chr1-36091973-C-T. GRCh37 (hg19) VCF-style: chr1-36557574-C-T.
Other names: short protein forms Q194*.
Identifiers: ClinVar variation 4855864 (VCV004855864.1).